The following is an entry in ClinVar:

ClinVar aggregate classification (germline): Uncertain significance (1 of 4 stars; one submission).

Allele frequency attached by ClinVar (database versions not stated): gnomAD exomes 0.00001 and 0.00003; gnomAD 0.00003 and 0.00004; ExAC 0.00004; TOPMed 0.00005; ESP Exome Variant Server 0.00008.
gnomAD v4.1: 24 of 1,613,976 alleles (0.0015%); highest among the groups gnomAD compares: African/African-American, 0.0067%; no homozygotes.

Submission:

Labcorp Genetics (formerly Invitae), Labcorp
Classification: Uncertain significance. Last evaluated: 2025-09-24. Review status: criteria provided, single submitter. Criteria: Invitae Variant Classification Sherloc (09022015). Collection method: clinical testing. Allele origin: germline.
Comment: This sequence change replaces threonine, which is neutral and polar, with methionine, which is neutral and non-polar, at codon 297 of the ASXL1 protein (p.Thr297Met). This variant is present in population databases (rs373599045, gnomAD 0.007%). This variant has not been reported in the literature in individuals affected with ASXL1-related conditions. ClinVar contains an entry for this variant (Variation ID: 1375283). An algorithm developed to predict the effect of missense changes on protein structure and function (PolyPhen-2) suggests that this variant is likely to be disruptive. In summary, the available evidence is currently insufficient to determine the role of this variant in disease. Therefore, it has been classified as a Variant of Uncertain Significance.

NM_015338.6(ASXL1):c.890C>T (p.Thr297Met)

Gene: ASXL1 (ASXL transcriptional regulator 1; plus strand). Cytogenetic location: 20q11.21.
Variant type: single nucleotide variant.
Coding change: c.890C>T on transcript NM_015338.6 (MANE Select); coding-DNA position 890, C replaced by T.
Protein change: p.Thr297Met; replaces threonine 297 with methionine.
Molecular consequence: missense variant.
Genome position (GRCh38, 1-based): chr20:32,431,590, C>T. VCF-style: chr20-32431590-C-T. GRCh37 (hg19) VCF-style: chr20-31019393-C-T.
Other names: c.707C>T, p.Thr236Met (NM_001363734.1); short protein forms T297M, T236M.
Identifiers: ClinVar variation 1375283 (VCV001375283.8), dbSNP rs373599045, ClinGen allele CA9808225.